The following continues an entry in ClinVar:

NM_000059.4(BRCA2):c.8850G>T (p.Lys2950Asn)

Gene: BRCA2. ClinVar aggregate classification (germline): Conflicting classifications of pathogenicity. Uncertain significance (2); Benign (12); Likely benign (13).

Submissions 21 to 36 of 36:

Institute for Biomarker Research, Medical Diagnostic Laboratories, L.L.C.
Classification: Likely benign for Hereditary breast ovarian cancer syndrome. Last evaluated: 2016-04-25. Review status: criteria provided, single submitter. Criteria: ACMG Guidelines, 2015. Collection method: clinical testing. Allele origin: germline.

Molecular Genetics Laboratory, University of Michigan
Classification: Benign for Breast-ovarian cancer, familial, susceptibility to, 2. Last evaluated: 2016-04-21. Review status: criteria provided, single submitter. Criteria: ACMG Guidelines, 2015. Collection method: clinical testing. Allele origin: germline. Affected: yes.

Eurofins Ntd Llc (ga)
Classification: Likely benign. Last evaluated: 2016-03-17. Review status: criteria provided, single submitter. Criteria: EGL Classification Definitions 2015. Collection method: clinical testing. Allele origin: germline. Observed: 4 variant alleles, 4 heterozygotes.

Vantari Genetics
Classification: Likely benign for Hereditary cancer-predisposing syndrome. Last evaluated: 2016-01-06. Review status: criteria provided, single submitter. Criteria: ACMG Guidelines, 2015. Collection method: clinical testing. Allele origin: germline.

Color Diagnostics, LLC DBA Color Health
Classification: Likely benign for Hereditary cancer-predisposing syndrome. Last evaluated: 2015-04-07. Review status: criteria provided, single submitter. Criteria: ACMG Guidelines, 2015. Collection method: clinical testing. Allele origin: germline.

Ambry Genetics
Classification: Benign for Hereditary cancer-predisposing syndrome. Last evaluated: 2014-11-19. Review status: criteria provided, single submitter. Criteria: Ambry Variant Classification Scheme 2023. Collection method: clinical testing. Allele origin: germline.

Women's Health and Genetics/Laboratory Corporation of America, LabCorp
Classification: Benign for Hereditary breast ovarian cancer syndrome. Last evaluated: 2014-09-26. Review status: criteria provided, single submitter. Criteria: LabCorp Variant Classification Summary - May 2015. Collection method: clinical testing. Allele origin: germline.

Department of Medical and Surgical Sciences, University of Bologna
Classification: Benign for Breast-ovarian cancer, familial, susceptibility to, 2. Last evaluated: 2023-09-01. Review status: no assertion criteria provided. Collection method: clinical testing. Allele origin: germline. Affected: yes. Not counted in ClinVar's aggregate classification.
Comment: BA1(Stand alone)+BS3(Strong)+BP4(Supporting)+BP5(Very Strong) according to ACMG/AMP classification guidelines specified for BRCA1 & BRCA2 (Classification Criteria V1.0.0 2023-09-08) (PMID: 38160042)

PreventionGenetics, part of Exact Sciences
Classification: Benign for BRCA2-related condition. Last evaluated: 2020-04-27. Review status: no assertion criteria provided. Collection method: clinical testing. Allele origin: germline. Not counted in ClinVar's aggregate classification.
Comment: This variant is classified as benign based on ACMG/AMP sequence variant interpretation guidelines (Richards et al. 2015 PMID: 25741868, with internal and published modifications).

BRCAlab, Lund University
Classification: Likely benign for Breast-ovarian cancer, familial, susceptibility to, 2. Last evaluated: 2020-03-02. Review status: no assertion criteria provided. Collection method: clinical testing. Allele origin: germline. Affected: yes. Not counted in ClinVar's aggregate classification.

Counsyl
Classification: Benign for Breast-ovarian cancer, familial 2. Last evaluated: 2014-07-23. Review status: no assertion criteria provided. Collection method: literature only. Allele origin: unknown. Inheritance: Autosomal dominant inheritance. Not counted in ClinVar's aggregate classification.

Research Molecular Genetics Laboratory, Women's College Hospital, University of Toronto
Classification: Benign. Last evaluated: 2014-01-31. Review status: no assertion criteria provided. Collection method: research. Allele origin: germline. Affected: yes. Study: The Canadian Open Genetics Repository (COGR). Not counted in ClinVar's aggregate classification.

ITMI
No classification provided. Condition: AllHighlyPenetrant. Last evaluated: 2013-09-19. Review status: no classification provided. Collection method: reference population. Allele origin: germline. Not counted in ClinVar's aggregate classification.
Comment: Please see associated publication for description of ethnicities

Sharing Clinical Reports Project (SCRP)
Classification: Benign for Breast-ovarian cancer, familial 2. Last evaluated: 2011-02-25. Review status: no assertion criteria provided. Collection method: clinical testing. Allele origin: germline. Not counted in ClinVar's aggregate classification.

Breast Cancer Information Core (BIC) (BRCA2)
Classification: Uncertain significance for Breast-ovarian cancer, familial 2. Last evaluated: 2002-05-29. Review status: no assertion criteria provided. Collection method: clinical testing. Allele origin: germline. Affected: yes. Observed: 111 variant alleles. Not counted in ClinVar's aggregate classification.

Department of Pathology and Laboratory Medicine, Sinai Health System
Classification: Benign. Review status: no assertion criteria provided. Collection method: clinical testing. Allele origin: unknown. Affected: yes. Study: The Canadian Open Genetics Repository (COGR). Not counted in ClinVar's aggregate classification.
Comment: The p.Lys2950Asn variant was identified in 17 of 11804 proband chromosomes (frequency: 0.001) from individuals or families with Breast, Ovarian and Prostate Cancers, and was present in 2 of 1166 control chromosomes (frequency: 0.002) from healthy individuals (Diez_2003_12955716, Spurdle_2008_18375895, Akbari_2011_21965345, Beristain_2007_17262179, Borg_2010_20104584, Edwards_2003_12474142, Esteban-Cardenosa_2004_14684619, Gayther_2000_10969800, Miramar_2008_18176857, Romano_2007, Schoumacher_2001_11400546, Soegaard_2008_18559594, Soegaard_2008_18559594, Cavallone_2010_20694749). The variant was also identified in dbSNP (ID: rs28897754) â€šÃ„ÃºWith Likely benign alleleâ€šÃ„Ã¹, with a minor allele frequency of 0.0012(1000 Genomes Project) and with an average heterozygosity score with standard error of 0.002+/-0.035, increasing the likelihood that this is a benign variant. In NHLBI Exome Sequencing Project (Exome Variant Server) the variant was identified in 7 of 8600 European Americans and was not found in African Americans. In Exome Aggregation Consortium (ExAC) database the variant was identified in 21 of 11524 Latino alleles, 54 of 66378 European (Non Finnish) alleles, 5 of 6610 of Europeans (Finnish) alleles, increasing the likelihood this variant is a low frequency benign polymorphism in certain populations of origin. The variant was identified in the ClinVar database with conflicting classifications. It was classified as a benign variant by the Sharing Clinical Reports Project, (derived from Myriad reports), Ambry Genetics, Counsyl and Invitae; as likely benign by Emory Genetics, CHEO and GeneDX; as uncertain significance by BIC. The variant was identified in the BIC database (111X with unknown clinical importance), and in UMD (78X as a neutral variant). In UMD the variant was identified with co-occurring pathogenic BRCA1 and BRCA2 variants (BRCA1:c.1483_1498del (p.Glu495IlefsX3), c.IVS5+2T>C, c.34C>T (p.Gln12X), c.3841C>T (p.Gln1281X), c.70T>C (p.Cys24Arg), c.IVS5+3A>G (c.212+3A>G); BRCA2: c.8904delC (p.Val2969CysfsX7), c.7007G>A (p.Arg2336His)), increasing the likelihood that the p.Lys2950Asn variant does not have clinical significance. The p.Lys2950 residue is conserved across mammals and lower organisms, and four out of five computational analyses (PolyPhen-2, SIFT, AlignGVGD, MutationTaster) suggest that the Asn (asparagine) variant may impact the protein. However, this information is not predictive enough to assume pathogenicity. In summary, based on the above information, this variant meets our laboratory's criteria to be classified as benign.

Literature cited by the submitters: PubMed 23683081 (cited by Laboratory for Molecular Medicine, Mass General Brigham Personalized Medicine); PubMed 17924331 (cited by Laboratory for Molecular Medicine, Mass General Brigham Personalized Medicine and Counsyl); PubMed 24728327 (cited by Counsyl and ITMI); PubMed 15635067 (cited by Counsyl); PubMed 19043619 (cited by Counsyl); PubMed 21965345 (cited by Counsyl); PubMed 20054658 (cited by Counsyl); PubMed 23231788 (cited by Counsyl).